The following is an entry in ClinVar:

ClinVar aggregate classification (germline): Uncertain significance (1 of 4 stars; one submission).

Conditions:
Gorlin syndrome. Also called: Nevoid Basal Cell Carcinoma Syndrome; Basal cell nevus syndrome. Identifiers: Orphanet 377, MedGen C0004779, MONDO:0007187.

Submission:

Labcorp Genetics (formerly Invitae), Labcorp
Classification: Uncertain significance for Gorlin syndrome. Last evaluated: 2022-08-22. Review status: criteria provided, single submitter. Criteria: Invitae Variant Classification Sherloc (09022015). Collection method: clinical testing. Allele origin: germline.
Comment: In summary, the available evidence is currently insufficient to determine the role of this variant in disease. Therefore, it has been classified as a Variant of Uncertain Significance. Algorithms developed to predict the effect of missense changes on protein structure and function are either unavailable or do not agree on the potential impact of this missense change (SIFT: "Deleterious"; PolyPhen-2: "Probably Damaging"; Align-GVGD: "Class C0"). This variant has not been reported in the literature in individuals affected with PTCH2-related conditions. This variant is not present in population databases (gnomAD no frequency). This sequence change replaces glycine, which is neutral and non-polar, with arginine, which is basic and polar, at codon 285 of the PTCH2 protein (p.Gly285Arg).

NM_003738.5(PTCH2):c.853G>C (p.Gly285Arg)

Gene: PTCH2 (patched 2; minus strand). Cytogenetic location: 1p34.1.
Variant type: single nucleotide variant.
Coding change: c.853G>C on transcript NM_003738.5 (MANE Select); coding-DNA position 853, G replaced by C.
Protein change: p.Gly285Arg; replaces glycine 285 with arginine.
Molecular consequence: missense variant.
Genome position (GRCh38, 1-based): chr1:44,829,991, C>G on the plus strand (G>C on the coding strand, the complement: PTCH2 is on the minus strand). VCF-style: chr1-44829991-C-G. GRCh37 (hg19) VCF-style: chr1-45295663-C-G.
Other names: c.853G>C, p.Gly285Arg (NM_001166292.2); short protein forms G285R.
Identifiers: ClinVar variation 1717768 (VCV001717768.6), dbSNP rs2521989545, ClinGen allele CA340105131.